The following is an entry in ClinVar:

ClinVar aggregate classification (germline): Uncertain significance (1 of 4 stars; one submission).

Allele frequency attached by ClinVar (database versions not stated): gnomAD 0.00002; gnomAD exomes 0.00003; TOPMed 0.00004; ExAC 0.00009.
gnomAD v4.1: 50 of 1,588,244 alleles (0.0031%); highest among the groups gnomAD compares: South Asian, 0.0046%; 1 homozygote.

Submission:

Labcorp Genetics (formerly Invitae), Labcorp
Classification: Uncertain significance. Last evaluated: 2025-09-15. Review status: criteria provided, single submitter. Criteria: Invitae Variant Classification Sherloc (09022015). Collection method: clinical testing. Allele origin: germline.
Comment: This sequence change replaces arginine, which is basic and polar, with cysteine, which is neutral and slightly polar, at codon 671 of the CEP89 protein (p.Arg671Cys). The frequency data for this variant in the population databases is considered unreliable, as metrics indicate poor data quality at this position in the gnomAD database. This variant has not been reported in the literature in individuals affected with CEP89-related conditions. ClinVar contains an entry for this variant (Variation ID: 1986654). An algorithm developed to predict the effect of missense changes on protein structure and function outputs the following: PolyPhen-2: "Possibly Damaging". The cysteine amino acid residue is found in multiple mammalian species, which suggests that this missense change does not adversely affect protein function. In summary, the available evidence is currently insufficient to determine the role of this variant in disease. Therefore, it has been classified as a Variant of Uncertain Significance.

NM_032816.5(CEP89):c.2011C>T (p.Arg671Cys)

Gene: CEP89 (centrosomal protein 89; minus strand). Cytogenetic location: 19q13.11.
Variant type: single nucleotide variant.
Coding change: c.2011C>T on transcript NM_032816.5 (MANE Select); coding-DNA position 2011, C replaced by T.
Protein change: p.Arg671Cys; replaces arginine 671 with cysteine.
Molecular consequence: missense variant.
Genome position (GRCh38, 1-based): chr19:32,881,968, G>A on the plus strand (C>T on the coding strand, the complement: CEP89 is on the minus strand). VCF-style: chr19-32881968-G-A. GRCh37 (hg19) VCF-style: chr19-33372874-G-A.
Other names: short protein forms R671C.
Identifiers: ClinVar variation 1986654 (VCV001986654.4), dbSNP rs772350734, ClinGen allele CA9359109.